The following is an entry in ClinVar:

NM_006206.6(PDGFRA):c.30C>G (p.Val10=)

Gene: PDGFRA (platelet derived growth factor receptor alpha; plus strand). Cytogenetic location: 4q12.
Variant type: single nucleotide variant.
Coding change: c.30C>G on transcript NM_006206.6 (MANE Select); coding-DNA position 30, C replaced by G.
Protein change: p.Val10=; no amino-acid change (valine 10 retained).
Molecular consequence: synonymous variant.
Genome position (GRCh38, 1-based): chr4:54,258,798, C>G. VCF-style: chr4-54258798-C-G. GRCh37 (hg19) VCF-style: chr4-55124965-C-G.
Other names: c.30C>G (NM_006206.5); c.30C>G, p.Val10= (NM_001347827.2, NM_001347829.2); c.105C>G, p.Val35= (NM_001347828.2); c.69C>G, p.Val23= (NM_001347830.2).
Identifiers: ClinVar variation 1126944 (VCV001126944.13), dbSNP rs1722519144, ClinGen allele CA439285053.

ClinVar aggregate classification (germline): Benign/Likely benign. Review status: criteria provided, multiple submitters, no conflicts (2 of 4 stars). 4 submissions from 4 submitters: Benign (1); Likely benign (3). Last evaluated 2026-06-16.

Conditions:
Polyps, multiple and recurrent inflammatory fibroid, gastrointestinal. Identifiers: MedGen C5193005, MONDO:0008285, OMIM 175510.
Hereditary cancer-predisposing syndrome. Also called: Tumor predisposition; Hereditary Cancer Syndrome; Neoplastic Syndromes, Hereditary; Hereditary neoplastic syndrome. Identifiers: Orphanet 140162, MedGen C0027672, MeSH D009386, MONDO:0015356.
Gastrointestinal stromal tumor. Also called: Gastrointestinal stroma tumor; Gastrointestinal stromal tumor, somatic. Identifiers: Orphanet 44890, MedGen C0238198, MeSH D046152, MONDO:0011719, OMIM 606764, HP:0100723.
PDGFRA-related disorder. Also called: PDGFRA-related condition.

Allele frequency attached by ClinVar (database versions not stated): gnomAD exomes below 0.00001; TOPMed below 0.00001; gnomAD 0.00001.
gnomAD v4.1: 2 of 1,613,704 alleles (0.00012%); highest among the groups gnomAD compares: Middle Eastern, 0.033%; no homozygotes.

Submissions (4):

Myriad Genetics, Inc.
Classification: Benign for Polyps, multiple and recurrent inflammatory fibroid, gastrointestinal. Last evaluated: 2026-06-16. Review status: criteria provided, single submitter. Criteria: Myriad Autosomal Dominant, Autosomal Recessive and X-Linked Classification Criteria (2023). Collection method: clinical testing. Allele origin: unknown.
Comment: This variant is considered benign. This variant is a silent/synonymous amino acid change and it is not expected to impact splicing.

PreventionGenetics, part of Exact Sciences
Classification: Likely benign for PDGFRA-related condition. Last evaluated: 2025-09-29. Review status: criteria provided, single submitter. Criteria: ACMG Guidelines, 2015. Collection method: clinical testing. Allele origin: germline.
Comment: This variant is classified as likely benign based on ACMG/AMP sequence variant interpretation guidelines (Richards et al. 2015 PMID: 25741868, with internal and published modifications).

Labcorp Genetics (formerly Invitae), Labcorp
Classification: Likely benign for Gastrointestinal stromal tumor. Last evaluated: 2025-04-17. Review status: criteria provided, single submitter. Criteria: Invitae Variant Classification Sherloc (09022015). Collection method: clinical testing. Allele origin: germline.

Ambry Genetics
Classification: Likely benign for Hereditary cancer-predisposing syndrome. Last evaluated: 2020-06-24. Review status: criteria provided, single submitter. Criteria: Ambry Variant Classification Scheme 2023. Collection method: clinical testing. Allele origin: germline.